The following is an entry in ClinVar:

ClinVar aggregate classification (germline): Likely benign. Review status: criteria provided, multiple submitters, no conflicts (2 of 4 stars). 2 submissions from 2 submitters: Likely benign (2). Last evaluated 2020-02-18.

Conditions:
Autosomal recessive limb-girdle muscular dystrophy type 2J (LGMDR10). Also called: Limb-girdle muscular dystrophy, type 2J; MUSCULAR DYSTROPHY, LIMB-GIRDLE, AUTOSOMAL RECESSIVE 10. Identifiers: Orphanet 140922, MedGen C1837342, MONDO:0012127, OMIM 608807.
Dilated cardiomyopathy 1G (CMD1G). Identifiers: Orphanet 154, MedGen C1858763, MONDO:0011400, OMIM 604145.

Allele frequency attached by ClinVar (database versions not stated): gnomAD exomes below 0.00001.

Submissions (2):

Labcorp Genetics (formerly Invitae), Labcorp
Classification: Likely benign for Dilated cardiomyopathy 1G; Autosomal recessive limb-girdle muscular dystrophy type 2J. Last evaluated: 2020-02-18. Review status: criteria provided, single submitter. Criteria: Invitae Variant Classification Sherloc (09022015). Collection method: clinical testing. Allele origin: germline.

GeneDx
Classification: Likely benign. Last evaluated: 2017-01-04. Review status: criteria provided, single submitter. Criteria: GeneDx Variant Classification (06012015). Collection method: clinical testing. Allele origin: germline. Affected: yes.
Comment: This variant is considered likely benign or benign based on one or more of the following criteria: it is a conservative change, it occurs at a poorly conserved position in the protein, it is predicted to be benign by multiple in silico algorithms, and/or has population frequency not consistent with disease.

NM_001267550.2(TTN):c.9762G>A (p.Lys3254=)

Gene: TTN (titin; minus strand). Cytogenetic location: 2q31.2.
Variant type: single nucleotide variant.
Coding change: c.9762G>A on transcript NM_001267550.2 (MANE Select); coding-DNA position 9762, G replaced by A.
Protein change: p.Lys3254=; no amino-acid change (lysine 3254 retained).
Molecular consequence: synonymous variant.
Genome position (GRCh38, 1-based): chr2:178,764,753, C>T on the plus strand (G>A on the coding strand, the complement: TTN is on the minus strand). VCF-style: chr2-178764753-C-T. GRCh37 (hg19) VCF-style: chr2-179629480-C-T.
Other names: c.9624G>A, p.Lys3208= (NM_003319.4, NM_133432.3, NM_133437.4); c.9762G>A, p.Lys3254= (NM_133378.4, NM_133379.5, NM_001256850.1).
Identifiers: ClinVar variation 392344 (VCV000392344.10), dbSNP rs1057524449, ClinGen allele CA16603945.
Genomic context (GRCh38, chr2:178,764,753, plus strand): 5'-CTTGTACCAGGAAATTTTGGGCTGTGGTCTTCCGGATATCACGGCACAGAAGCGGGCAGG[C>T]TTGCCAGACTGCACAGTGACAGGCTGGAGCTCCTGCAGAACTTGGGGCGGTTCAGGAGCT-3'
Protein context (NP_001254479.2, residues 3244-3264): ELQPVTVQSG[Lys3254=]PARFCAVISG